The following is an entry in ClinVar:

NM_003000.3(SDHB):c.825GAA[1] (p.Lys277del)

Gene: SDHB (succinate dehydrogenase complex iron sulfur subunit B; minus strand). Cytogenetic location: 1p36.13.
Variant type: Microsatellite.
Coding change: c.825GAA[1] on transcript NM_003000.3 (MANE Select); one copy of the 3-base unit GAA starting at c.825; the reference has two copies in a row; one copy, 3 bases deleted.
Protein change: p.Lys277del; deletes lysine 277.
Molecular consequence: inframe deletion.
Genome position (GRCh38, 1-based): chr1:17,018,894-17,018,896, TTC deleted on the plus strand (GAA on the coding strand, the reverse complement: SDHB is on the minus strand); deleting any 3 consecutive bases within chr1:17,018,894-17,018,900 gives the same sequence; the position shown is the placement nearest the transcript's 3' end. VCF-style (leftmost placement, unchanged base first): chr1-17018893-TTTC-T. GRCh37 (hg19) VCF-style: chr1-17345388-TTTC-T.
Other names: c.771GAA[1], p.Lys259del (NM_001407361.1); short protein forms K259del, K277del.
Identifiers: ClinVar variation 3754804 (VCV003754804.2).

ClinVar aggregate classification (germline): Uncertain significance (1 of 4 stars; one submission).

Conditions:
Pheochromocytoma. Also called: MAX-Related Hereditary Paraganglioma-Pheochromocytoma Syndrome. Identifiers: Orphanet 29072, MedGen C0031511, MONDO:0008233, OMIM 171300, HP:0002666.
Pheochromocytoma/paraganglioma syndrome 4. Also called: CAROTID BODY TUMORS AND MULTIPLE EXTRAADRENAL PHEOCHROMOCYTOMAS; PARAGANGLIOMA, FAMILIAL MALIGNANT; PARAGANGLIOMAS, HEREDITARY EXTRAADRENAL; PHEOCHROMOCYTOMA, FAMILIAL EXTRAADRENAL; Paragangliomas 4; SDHB-Related Hereditary Paraganglioma-Pheochromocytoma Syndrome (Paragangliomas 4). Identifiers: Orphanet 29072, MedGen C1861848, MONDO:0007273, OMIM 115310.
Gastrointestinal stromal tumor. Also called: Gastrointestinal stromal tumor, somatic; Gastrointestinal stroma tumor. Identifiers: Orphanet 44890, MedGen C0238198, MeSH D046152, MONDO:0011719, OMIM 606764, HP:0100723.

Submission:

Labcorp Genetics (formerly Invitae), Labcorp
Classification: Uncertain significance for Gastrointestinal stromal tumor; Pheochromocytoma/paraganglioma syndrome 4; Pheochromocytoma. Last evaluated: 2024-05-06. Review status: criteria provided, single submitter. Criteria: Invitae Variant Classification Sherloc (09022015). Collection method: clinical testing. Allele origin: germline.
Comment: This variant, c.828_830del, results in the deletion of 1 amino acid(s) of the SDHB protein (p.Lys277del), but otherwise preserves the integrity of the reading frame. This variant is not present in population databases (gnomAD no frequency). This variant has not been reported in the literature in individuals affected with SDHB-related conditions. Experimental studies and prediction algorithms are not available or were not evaluated, and the functional significance of this variant is currently unknown. In summary, the available evidence is currently insufficient to determine the role of this variant in disease. Therefore, it has been classified as a Variant of Uncertain Significance.